The following is an entry in ClinVar:

NM_024589.3(ROGDI):c.66G>A (p.Leu22=)

Gene: ROGDI (rogdi atypical leucine zipper; minus strand). Cytogenetic location: 16p13.3.
Variant type: single nucleotide variant.
Coding change: c.66G>A on transcript NM_024589.3 (MANE Select); coding-DNA position 66, G replaced by A.
Protein change: p.Leu22=; no amino-acid change (leucine 22 retained).
Molecular consequence: synonymous variant. On other transcripts: non-coding transcript variant (1).
Genome position (GRCh38, 1-based): chr16:4,802,433, C>T on the plus strand (G>A on the coding strand, the complement: ROGDI is on the minus strand). VCF-style: chr16-4802433-C-T. GRCh37 (hg19) VCF-style: chr16-4852434-C-T.
Identifiers: ClinVar variation 1141395 (VCV001141395.32), dbSNP rs1452732971, ClinGen allele CA493321499.

ClinVar aggregate classification (germline): Likely benign. Review status: criteria provided, multiple submitters, no conflicts (2 of 4 stars). 2 submissions from 2 submitters: Likely benign (2). Last evaluated 2022-11-01.

Conditions:
Amelocerebrohypohidrotic syndrome (KTZS). Also called: EPILEPSY AND YELLOW TEETH; EPILEPSY, DEMENTIA, AND AMELOGENESIS IMPERFECTA; Kohlschutter's syndrome; KOHLSCHUTTER SYNDROME. Identifiers: Orphanet 1946, MedGen C0406740, MONDO:0009185, OMIM 226750.

Submissions (2):

CeGaT Center for Human Genetics Tuebingen
Classification: Likely benign. Last evaluated: 2022-11-01. Review status: criteria provided, single submitter. Criteria: CeGaT Center For Human Genetics Tuebingen Variant Classification Criteria Version 2. Collection method: clinical testing. Allele origin: germline. Affected: yes. Observed: 1 variant allele.
Comment: ROGDI: BP4, BP7

Labcorp Genetics (formerly Invitae), Labcorp
Classification: Likely benign for Amelocerebrohypohidrotic syndrome. Last evaluated: 2019-07-20. Review status: criteria provided, single submitter. Criteria: Invitae Variant Classification Sherloc (09022015). Collection method: clinical testing. Allele origin: germline.